The following is an entry in ClinVar:

NM_001004334.4(GPR179):c.1474C>G (p.Arg492Gly)

Gene: GPR179 (G protein-coupled receptor 179; minus strand). Cytogenetic location: 17q12.
Variant type: single nucleotide variant.
Coding change: c.1474C>G on transcript NM_001004334.4 (MANE Select); coding-DNA position 1474, C replaced by G.
Protein change: p.Arg492Gly; replaces arginine 492 with glycine.
Molecular consequence: missense variant.
Genome position (GRCh38, 1-based): chr17:38,335,204, G>C on the plus strand (C>G on the coding strand, the complement: GPR179 is on the minus strand). VCF-style: chr17-38335204-G-C. GRCh37 (hg19) VCF-style: chr17-36491087-G-C.
Other names: c.1474C>G (NM_001004334.2); short protein forms R492G.
Identifiers: ClinVar variation 1369688 (VCV001369688.7), dbSNP rs1051192998, ClinGen allele CA398886780.

ClinVar aggregate classification (germline): Uncertain significance. Review status: criteria provided, multiple submitters, no conflicts (2 of 4 stars). 2 submissions from 2 submitters: Uncertain significance (2). Last evaluated 2025-04-21.

Conditions:
Inborn genetic diseases. Identifiers: MedGen C0950123, MeSH D030342.

gnomAD v4.1: 4 of 1,556,844 alleles (0.00026%); highest among the groups gnomAD compares: Admixed American, 0.0078%; no homozygotes.

Submissions (2):

Labcorp Genetics (formerly Invitae), Labcorp
Classification: Uncertain significance. Last evaluated: 2025-04-21. Review status: criteria provided, single submitter. Criteria: Invitae Variant Classification Sherloc (09022015). Collection method: clinical testing. Allele origin: germline.
Comment: This sequence change replaces arginine, which is basic and polar, with glycine, which is neutral and non-polar, at codon 492 of the GPR179 protein (p.Arg492Gly). This variant is present in population databases (no rsID available, gnomAD 0.02%). This variant has not been reported in the literature in individuals affected with GPR179-related conditions. ClinVar contains an entry for this variant (Variation ID: 1369688). An algorithm developed to predict the effect of missense changes on protein structure and function (PolyPhen-2) suggests that this variant is likely to be disruptive. In summary, the available evidence is currently insufficient to determine the role of this variant in disease. Therefore, it has been classified as a Variant of Uncertain Significance.

Ambry Genetics
Classification: Uncertain significance for Inborn genetic diseases. Last evaluated: 2024-12-03. Review status: criteria provided, single submitter. Criteria: Ambry Variant Classification Scheme 2023. Collection method: clinical testing. Allele origin: germline.